The following is an entry in ClinVar:

ClinVar aggregate classification (germline): Uncertain significance (1 of 4 stars; one submission).

Submission:

Labcorp Genetics (formerly Invitae), Labcorp
Classification: Uncertain significance. Last evaluated: 2024-04-09. Review status: criteria provided, single submitter. Criteria: Invitae Variant Classification Sherloc (09022015). Collection method: clinical testing. Allele origin: germline.
Comment: This sequence change replaces arginine, which is basic and polar, with leucine, which is neutral and non-polar, at codon 974 of the MYO7A protein (p.Arg974Leu). This variant is not present in population databases (gnomAD no frequency). This variant has not been reported in the literature in individuals affected with MYO7A-related conditions. Advanced modeling of protein sequence and biophysical properties (such as structural, functional, and spatial information, amino acid conservation, physicochemical variation, residue mobility, and thermodynamic stability) performed at Invitae indicates that this missense variant is not expected to disrupt MYO7A protein function with a negative predictive value of 95%. In summary, the available evidence is currently insufficient to determine the role of this variant in disease. Therefore, it has been classified as a Variant of Uncertain Significance.

NM_000260.4(MYO7A):c.2921G>T (p.Arg974Leu)

Gene: MYO7A (myosin VIIA; plus strand). Cytogenetic location: 11q13.5.
Variant type: single nucleotide variant.
Coding change: c.2921G>T on transcript NM_000260.4 (MANE Select); coding-DNA position 2921, G replaced by T.
Protein change: p.Arg974Leu; replaces arginine 974 with leucine.
Molecular consequence: missense variant.
Genome position (GRCh38, 1-based): chr11:77,181,967, G>T. VCF-style: chr11-77181967-G-T. GRCh37 (hg19) VCF-style: chr11-76893013-G-T.
Other names: c.2921G>T, p.Arg974Leu (NM_001127180.2); c.2888G>T, p.Arg963Leu (NM_001369365.1); short protein forms R974L, R963L.
Identifiers: ClinVar variation 3634261 (VCV003634261.2).
Genomic context (GRCh38, chr11:77,181,967, plus strand): 5'-CCTGAGTAGCTGGGACTCCAGGGCATACCTCTTGTCTCCTTCAGGACCTGGAGCGAGGGC[G>T]GAGGGAGATGGTGGAGGAGGACCTGGATGCAGCCCTGCCCCTGCCTGACGAGGATGAGGA-3'
Protein context (NP_000251.3, residues 964-984): PSGFEDLERG[Arg974Leu]REMVEEDLDA